The following is an entry in ClinVar:

NM_004770.3(KCNB2):c.1944C>G (p.Gly648=)

Gene: KCNB2 (potassium voltage-gated channel subfamily B member 2; plus strand). Cytogenetic location: 8q21.11.
Variant type: single nucleotide variant.
Coding change: c.1944C>G on transcript NM_004770.3 (MANE Select); coding-DNA position 1944, C replaced by G.
Protein change: p.Gly648=; no amino-acid change (glycine 648 retained).
Molecular consequence: synonymous variant.
Genome position (GRCh38, 1-based): chr8:72,937,299, C>G. VCF-style: chr8-72937299-C-G. GRCh37 (hg19) VCF-style: chr8-73849534-C-G.
Identifiers: ClinVar variation 3057267 (VCV003057267.2), dbSNP rs763584250, ClinGen allele CA4781681.

ClinVar aggregate classification (germline): Likely benign (0 of 4 stars; one submission).

Conditions:
KCNB2-related disorder. Also called: KCNB2-related condition.

gnomAD v4.1: 61 of 1,613,644 alleles (0.0038%); highest among the groups gnomAD compares: Non-Finnish European, 0.0046%; no homozygotes.

Submission:

PreventionGenetics, part of Exact Sciences
Classification: Likely benign for KCNB2-related condition. Last evaluated: 2019-04-02. Review status: no assertion criteria provided. Collection method: clinical testing. Allele origin: germline.
Comment: This variant is classified as likely benign based on ACMG/AMP sequence variant interpretation guidelines (Richards et al. 2015 PMID: 25741868, with internal and published modifications).